The following is an entry in ClinVar:

ClinVar aggregate classification (germline): Conflicting classifications of pathogenicity. Review status: criteria provided, conflicting classifications (1 of 4 stars). 12 submissions from 12 submitters: Uncertain significance (9); Likely benign (1). 2 of the submissions do not count toward it. Last evaluated 2026-03-17.

Conditions:
PLEKHG5-related disorder. Also called: PLEKHG5-related condition.
Inborn genetic diseases. Identifiers: MedGen C0950123, MeSH D030342.
Charcot-Marie-Tooth disease recessive intermediate C. Also called: CHARCOT-MARIE-TOOTH NEUROPATHY, RECESSIVE INTERMEDIATE C. Identifiers: Orphanet 369867, MedGen C3809309, MONDO:0014154, OMIM 615376.
Neuronopathy, distal hereditary motor, autosomal recessive 4. Also called: Autosomal recessive lower motor neuron disease with childhood onset; NEUROPATHY, DISTAL HEREDITARY MOTOR, AUTOSOMAL RECESSIVE 4. Identifiers: Orphanet 206580, MedGen C1970211, MONDO:0012608, OMIM 611067.

Allele frequency attached by ClinVar (database versions not stated): 1000 Genomes Project 30x 0.00016; 1000 Genomes Project 0.00020; ESP Exome Variant Server 0.00032; gnomAD exomes 0.00037; TOPMed 0.00040; gnomAD 0.00041 and 0.00042; ExAC 0.00049.
gnomAD v4.1: 1,052 of 1,561,980 alleles (0.067%); highest among the groups gnomAD compares: Non-Finnish European, 0.086%; 1 homozygote.

Submissions (12):

PreventionGenetics, part of Exact Sciences
Classification: Uncertain significance for PLEKHG5-related condition. Last evaluated: 2026-03-17. Review status: criteria provided, single submitter. Criteria: ACMG Guidelines, 2015. Collection method: clinical testing. Allele origin: germline.
Comment: The PLEKHG5 c.719A>G variant is predicted to result in the amino acid substitution p.Asp240Gly. To our knowledge, this variant has not been reported in the literature. This variant is reported in 0.080% of alleles in individuals of European (non-Finnish) descent in gnomAD, which may be too frequent to be a primary cause of disease. An alternate missense substitution affecting the same amino acid (p.Asp240Asn) has been reported in an individual with Charcot-Marie-Tooth disease (Lupo et al. 2016. PubMed ID: 26752306). Although we suspect this variant is benign, at this time, the clinical significance of the c.719A>G (p.Asp240Gly) variant is uncertain due to the absence of conclusive functional and genetic evidence.

Mayo Clinic Laboratories, Mayo Clinic
Classification: Uncertain significance. Last evaluated: 2025-04-23. Review status: criteria provided, single submitter. Criteria: ACMG Guidelines, 2015. Collection method: clinical testing. Allele origin: germline. Observed: 5 variant alleles.

Women's Health and Genetics/Laboratory Corporation of America, LabCorp
Classification: Uncertain significance. Last evaluated: 2025-04-09. Review status: criteria provided, single submitter. Criteria: LabCorp Variant Classification Summary - May 2015. Collection method: clinical testing. Allele origin: germline.
Comment: Variant summary: PLEKHG5 c.719A>G (p.Asp240Gly) results in a non-conservative amino acid change in the encoded protein sequence. Three of four in-silico tools predict a damaging effect of the variant on protein function. The variant allele was found at a frequency of 0.00037 in 161514 control chromosomes. This frequency is not significantly higher than estimated for a pathogenic variant in PLEKHG5 causing Distal Spinal Muscular Atrophy, Autosomal Recessive 4 (0.00037 vs 0.0011), allowing no conclusion about variant significance. To our knowledge, no occurrence of c.719A>G in individuals affected with Distal Spinal Muscular Atrophy, Autosomal Recessive 4 and no experimental evidence demonstrating its impact on protein function have been reported. ClinVar contains an entry for this variant (Variation ID: 198894). Based on the evidence outlined above, the variant was classified as uncertain significance.

Blueprint Genetics
Classification: Uncertain significance. Last evaluated: 2024-06-26. Review status: criteria provided, single submitter. Criteria: ACMG Guidelines, 2015. Collection method: clinical testing. Allele origin: germline.

Ambry Genetics
Classification: Uncertain significance for Inborn genetic diseases. Last evaluated: 2024-04-09. Review status: criteria provided, single submitter. Criteria: Ambry Variant Classification Scheme 2023. Collection method: clinical testing. Allele origin: germline.

Greenwood Genetic Center Diagnostic Laboratories, Greenwood Genetic Center
Classification: Uncertain significance. Last evaluated: 2024-03-21. Review status: criteria provided, single submitter. Criteria: ACMG Guidelines, 2015. Collection method: clinical testing. Allele origin: germline. Affected: yes.
Comment: BP4

Labcorp Genetics (formerly Invitae), Labcorp
Classification: Uncertain significance for Neuronopathy, distal hereditary motor, autosomal recessive 4; Charcot-Marie-Tooth disease recessive intermediate C. Last evaluated: 2022-10-26. Review status: criteria provided, single submitter. Criteria: Invitae Variant Classification Sherloc (09022015). Collection method: clinical testing. Allele origin: germline.
Comment: This sequence change replaces aspartic acid, which is acidic and polar, with glycine, which is neutral and non-polar, at codon 240 of the PLEKHG5 protein (p.Asp240Gly). This variant is present in population databases (rs199794578, gnomAD 0.08%). This variant has not been reported in the literature in individuals affected with PLEKHG5-related conditions. ClinVar contains an entry for this variant (Variation ID: 198894). Algorithms developed to predict the effect of missense changes on protein structure and function are either unavailable or do not agree on the potential impact of this missense change (SIFT: "Tolerated"; PolyPhen-2: "Possibly Damaging"; Align-GVGD: "Class C0"). In summary, the available evidence is currently insufficient to determine the role of this variant in disease. Therefore, it has been classified as a Variant of Uncertain Significance.

GeneDx
Classification: Likely benign. Last evaluated: 2021-05-07. Review status: criteria provided, single submitter. Criteria: GeneDx Variant Classification Process June 2021. Collection method: clinical testing. Allele origin: germline. Affected: yes.
Comment: In silico analysis supports that this missense variant does not alter protein structure/function; Has not been previously published as pathogenic or benign to our knowledge

Illumina Laboratory Services, Illumina
Classification: Uncertain significance for Neuronopathy, distal hereditary motor, autosomal recessive 4. Last evaluated: 2018-01-13. Review status: criteria provided, single submitter. Criteria: ICSL Variant Classification Criteria 13 December 2019. Collection method: clinical testing. Allele origin: germline.

Eurofins Ntd Llc (ga)
Classification: Uncertain significance. Last evaluated: 2014-11-14. Review status: criteria provided, single submitter. Criteria: EGL Classification Definitions 2015. Collection method: clinical testing. Allele origin: germline. Observed: 1 variant allele, 1 heterozygote.

Clinical Genetics DNA and cytogenetics Diagnostics Lab, Erasmus MC, Erasmus Medical Center
Classification: Uncertain significance. Review status: no assertion criteria provided. Collection method: clinical testing. Allele origin: germline. Affected: yes. Study: VKGL Data-share Consensus. Not counted in ClinVar's aggregate classification.

Clinical Genetics, Academic Medical Center
Classification: Uncertain significance. Review status: no assertion criteria provided. Collection method: clinical testing. Allele origin: germline. Affected: yes. Study: VKGL Data-share Consensus. Not counted in ClinVar's aggregate classification.

NM_020631.6(PLEKHG5):c.719A>G (p.Asp240Gly)

Gene: PLEKHG5 (pleckstrin homology and RhoGEF domain containing G5; minus strand). Cytogenetic location: 1p36.31.
Variant type: single nucleotide variant.
Coding change: c.719A>G on transcript NM_020631.6 (MANE Select); coding-DNA position 719, A replaced by G.
Protein change: p.Asp240Gly; replaces aspartic acid 240 with glycine.
Molecular consequence: missense variant.
Genome position (GRCh38, 1-based): chr1:6,473,327, T>C on the plus strand (A>G on the coding strand, the complement: PLEKHG5 is on the minus strand). VCF-style: chr1-6473327-T-C. GRCh37 (hg19) VCF-style: chr1-6533387-T-C.
Other names: p.Asp240Gly; c.830A>G, p.Asp277Gly (NM_001042663.3, NM_001265592.2); c.719A>G, p.Asp240Gly (NM_001042664.2, NM_001042665.2, NM_001265594.3 and 1 more transcripts); c.719A>G (NM_020631.5); c.926A>G, p.Asp309Gly (NM_001265593.2); short protein forms D240G, D309G, D317G, D277G.
Identifiers: ClinVar variation 198894 (VCV000198894.34), dbSNP rs199794578, ClinGen allele CA247789.